The following is an entry in ClinVar:

ClinVar aggregate classification (germline): Uncertain significance (1 of 4 stars; one submission).

Allele frequency attached by ClinVar (database versions not stated): gnomAD 0.00001; TOPMed 0.00001.
gnomAD v4.1: 3 of 1,607,096 alleles (0.00019%); highest among the groups gnomAD compares: Admixed American, 0.0017%; no homozygotes.

Submission:

Labcorp Genetics (formerly Invitae), Labcorp
Classification: Uncertain significance. Last evaluated: 2025-04-24. Review status: criteria provided, single submitter. Criteria: Invitae Variant Classification Sherloc (09022015). Collection method: clinical testing. Allele origin: germline.
Comment: This sequence change replaces threonine, which is neutral and polar, with alanine, which is neutral and non-polar, at codon 43 of the TNNI3K protein (p.Thr43Ala). This variant is not present in population databases (gnomAD no frequency). This variant has not been reported in the literature in individuals affected with TNNI3K-related conditions. ClinVar contains an entry for this variant (Variation ID: 1968231). Invitae Evidence Modeling of protein sequence and biophysical properties (such as structural, functional, and spatial information, amino acid conservation, physicochemical variation, residue mobility, and thermodynamic stability) indicates that this missense variant is not expected to disrupt TNNI3K protein function with a negative predictive value of 80%. In summary, the available evidence is currently insufficient to determine the role of this variant in disease. Therefore, it has been classified as a Variant of Uncertain Significance.

NM_015978.3(TNNI3K):c.127A>G (p.Thr43Ala)

Genes: FPGT-TNNI3K (FPGT-TNNI3K readthrough; plus strand), TNNI3K (TNNI3 interacting kinase; plus strand). Cytogenetic location: 1p31.1.
Variant type: single nucleotide variant.
Coding change: c.127A>G on transcript NM_015978.3 (MANE Select); coding-DNA position 127, A replaced by G.
Protein change: p.Thr43Ala; replaces threonine 43 with alanine.
Molecular consequence: missense variant.
Genome position (GRCh38, 1-based): chr1:74,236,188, A>G. VCF-style: chr1-74236188-A-G. GRCh37 (hg19) VCF-style: chr1-74701872-A-G.
Other names: c.430A>G, p.Thr144Ala (NM_001112808.3, NM_001199327.2); short protein forms T144A, T43A.
Identifiers: ClinVar variation 1968231 (VCV001968231.5), dbSNP rs1653847391, ClinGen allele CA340787225.